The following is an entry in ClinVar:

NM_000027.4(AGA):c.938dup (p.Tyr313Ter)

Gene: AGA (aspartylglucosaminidase; minus strand). Cytogenetic location: 4q34.3.
Variant type: Duplication.
Coding change: c.938dup on transcript NM_000027.4 (MANE Select); coding-DNA position 938, one base duplicated (A; older notation c.938dupA).
Protein change: p.Tyr313Ter; replaces tyrosine 313 with a stop codon.
Molecular consequence: nonsense. On other transcripts: non-coding transcript variant (1).
Genome position (GRCh38, 1-based): chr4:177,433,216, T duplicated on the plus strand (A on the coding strand, the reverse complement: AGA is on the minus strand). VCF-style (leftmost placement, unchanged base first): chr4-177433215-G-GT. GRCh37 (hg19) VCF-style: chr4-178354369-G-GT.
Other names: c.908dup, p.Tyr303Ter (NM_001171988.2); short protein forms Y313*, Y303*.
Identifiers: ClinVar variation 2190578 (VCV002190578.1), dbSNP rs761594218, ClinGen allele CA3146755.

ClinVar aggregate classification (germline): Uncertain significance (1 of 4 stars; one submission).

Conditions:
Aspartylglucosaminuria (AGU). Also called: Aspartylglucos-aminuria; Aspartylglucos-amidase (AGA) deficiency; AGA DEFICIENCY; GLYCOASPARAGINASE; GLYCOSYLASPARAGINASE DEFICIENCY. Identifiers: Orphanet 93, MedGen C0268225, MONDO:0008830, OMIM 208400, HP:0012068.

Allele frequency attached by ClinVar (database versions not stated): gnomAD exomes below 0.00001; ExAC 0.00001; gnomAD 0.00001.

Submission:

Labcorp Genetics (formerly Invitae), Labcorp
Classification: Uncertain significance for Aspartylglucosaminuria. Last evaluated: 2022-09-13. Review status: criteria provided, single submitter. Criteria: Invitae Variant Classification Sherloc (09022015). Collection method: clinical testing. Allele origin: germline.
Comment: This sequence change creates a premature translational stop signal (p.Tyr313*) in the AGA gene. While this is not anticipated to result in nonsense mediated decay, it is expected to disrupt the last 34 amino acid(s) of the AGA protein. This variant is present in population databases (rs761594218, gnomAD 0.007%). This variant has not been reported in the literature in individuals affected with AGA-related conditions. Experimental studies and prediction algorithms are not available or were not evaluated, and the functional significance of this variant is currently unknown. In summary, the available evidence is currently insufficient to determine the role of this variant in disease. Therefore, it has been classified as a Variant of Uncertain Significance.